The following is an entry in ClinVar:

ClinVar aggregate classification (germline): Uncertain significance. Review status: criteria provided, multiple submitters, no conflicts (2 of 4 stars). 2 submissions from 2 submitters: Uncertain significance (2). Last evaluated 2023-07-01.

Allele frequency attached by ClinVar (database versions not stated): gnomAD 0.00001.
gnomAD v4.1: 9 of 1,611,564 alleles (0.00056%); highest among the groups gnomAD compares: Non-Finnish European, 0.00068%; no homozygotes.

Submissions (2):

CeGaT Center for Human Genetics Tuebingen
Classification: Uncertain significance. Last evaluated: 2023-07-01. Review status: criteria provided, single submitter. Criteria: CeGaT Center For Human Genetics Tuebingen Variant Classification Criteria Version 2. Collection method: clinical testing. Allele origin: germline. Affected: yes. Observed: 1 variant allele.
Comment: ADCY5: PM2

Labcorp Genetics (formerly Invitae), Labcorp
Classification: Uncertain significance. Last evaluated: 2022-12-17. Review status: criteria provided, single submitter. Criteria: Invitae Variant Classification Sherloc (09022015). Collection method: clinical testing. Allele origin: germline.
Comment: This sequence change replaces alanine, which is neutral and non-polar, with serine, which is neutral and polar, at codon 349 of the ADCY5 protein (p.Ala349Ser). This variant is not present in population databases (gnomAD no frequency). This variant has not been reported in the literature in individuals affected with ADCY5-related conditions. Advanced modeling of protein sequence and biophysical properties (such as structural, functional, and spatial information, amino acid conservation, physicochemical variation, residue mobility, and thermodynamic stability) performed at Invitae indicates that this missense variant is not expected to disrupt ADCY5 protein function. In summary, the available evidence is currently insufficient to determine the role of this variant in disease. Therefore, it has been classified as a Variant of Uncertain Significance.

NM_183357.3(ADCY5):c.1045G>T (p.Ala349Ser)

Gene: ADCY5 (adenylate cyclase 5; minus strand). Cytogenetic location: 3q21.1.
Variant type: single nucleotide variant.
Coding change: c.1045G>T on transcript NM_183357.3 (MANE Select); coding-DNA position 1045, G replaced by T.
Protein change: p.Ala349Ser; replaces alanine 349 with serine.
Molecular consequence: missense variant.
Genome position (GRCh38, 1-based): chr3:123,447,501, C>A on the plus strand (G>T on the coding strand, the complement: ADCY5 is on the minus strand). VCF-style: chr3-123447501-C-A. GRCh37 (hg19) VCF-style: chr3-123166348-C-A.
Other names: c.1045G>T, p.Ala349Ser (NM_001378259.1); short protein forms A349S.
Identifiers: ClinVar variation 1929292 (VCV001929292.30), dbSNP rs1277274558, ClinGen allele CA354356066.
Genomic context (GRCh38, chr3:123,447,501, plus strand): 5'-TGGTGCGCAGGGCGATGGCCAGGTGGAGGGCGGACAGGAGCACCCCGCTGAGCACTGCGG[C>A]CCGCATGCGCACGGGCAGCAGCGTGTAGATGGTGTAGATGAAGAACACGGTCCACCAGAT-3'
Protein context (NP_899200.1, residues 339-359): IYTLLPVRMR[Ala349Ser]AVLSGVLLSA